The following is an entry in ClinVar:

NM_000018.4(ACADVL):c.521T>C (p.Val174Ala)

Gene: ACADVL (acyl-CoA dehydrogenase very long chain; plus strand). Cytogenetic location: 17p13.1.
Variant type: single nucleotide variant.
Coding change: c.521T>C on transcript NM_000018.4 (MANE Select); coding-DNA position 521, T replaced by C.
Protein change: p.Val174Ala; replaces valine 174 with alanine.
Molecular consequence: missense variant.
Genome position (GRCh38, 1-based): chr17:7,221,581, T>C. VCF-style: chr17-7221581-T-C. GRCh37 (hg19) VCF-style: chr17-7124900-T-C.
Other names: NM_000018.4(ACADVL):c.521T>C; p.Val174Ala; c.455T>C, p.Val152Ala (NM_001033859.3); c.590T>C, p.Val197Ala (NM_001270447.2); c.293T>C, p.Val98Ala (NM_001270448.2); short protein forms V174A, V98A, V152A, V197A.
Identifiers: ClinVar variation 617950 (VCV000617950.12), dbSNP rs372684079, ClinGen allele CA8337751.

ClinVar aggregate classification (germline): Uncertain significance. Review status: reviewed by expert panel (3 of 4 stars). 3 submissions from 3 submitters: Uncertain significance (1). 2 of the submissions do not count toward it. Last evaluated 2024-02-27.

Conditions:
Very long chain acyl-CoA dehydrogenase deficiency (ACADVLD). Also called: VLCAD Deficiency; Very Long-Chain Acyl-Coenzyme A Dehydrogenase Deficiency. Identifiers: Orphanet 26793, MedGen C3887523, MONDO:0008723, OMIM 201475.

Allele frequency attached by ClinVar (database versions not stated): gnomAD exomes below 0.00001; ExAC 0.00001; gnomAD 0.00003; TOPMed 0.00003; ESP Exome Variant Server 0.00008.
gnomAD v4.1: 4 of 1,613,922 alleles (0.00025%); highest among the groups gnomAD compares: African/African-American, 0.0053%; no homozygotes.

Submissions (3):

ClinGen ACADVL Variant Curation Expert Panel, ClinGen
Classification: Uncertain significance for Very long chain acyl-CoA dehydrogenase deficiency. Last evaluated: 2024-02-27. Review status: reviewed by expert panel. Criteria: clingen acadvl acmg specifications v1. Collection method: curation. Allele origin: germline. Inheritance: Autosomal recessive inheritance.
Comment: The NM_000018.4: c.521T>C (p.Val174Ala) in ACADVL is a missense variant predicted to cause substitution of valine by alanine at amino acid 174 (p.Val174Ala). The highest population minor allele frequency in GnomAD v4.0.0 is 0.0001 in African/African American population, which is lower than the ClinGen ACADVL Variant Curation Expert Panel threshold (<0.001) for PM2_Supporting, meeting this criterion (PM2_Supporting). This variant has been reported in the literature in an individual with an abnormal newborn screen who is an apparently heterozygous carrier for the variant (PMID: 24503138), but this information is insufficient to use toward classification. The computational predictor REVEL gives a score of 0.926, which is above the threshold of 0.75, evidence that correlates with impact to ACADVL function (PP3). Due to limited evidence, this variant is classified as a variant of uncertain significance for autosomal recessive very long chain acyl-CoA dehydrogenase (VLCAD) deficiency based on the ACMG/AMP criteria applied, as specified by the ClinGen ACADVL Variant Curation Expert Panel: PM2_Supporting, PP3 (ACADVL VCEP specifications version 1; approved November 9, 2021).

ARUP Laboratories, Molecular Genetics and Genomics, ARUP Laboratories
Classification: Uncertain significance for Very long chain acyl-CoA dehydrogenase deficiency. Last evaluated: 2025-07-23. Review status: criteria provided, single submitter. Criteria: ARUP Molecular Germline Variant Investigation Process 2024. Collection method: clinical testing. Allele origin: germline. Not counted in ClinVar's aggregate classification.
Comment: The ACADVL c.521T>C; p.Val174Ala variant (rs372684079, ClinVar Variation ID: 617950) has been reported in the literature in a heterozygous carrier with an abnormal newborn screen (Merritt 2014). This variant is only observed on one allele in the Genome Aggregation Database (v2.1.1), indicating it is not a common polymorphism. Additionally, other variants at this codon (c.520G>A, p.Val174Met) have been reported in individuals with Very Long-Chain Acyl-Coenzyme A Dehydrogenase deficiency (VLCAD) and are considered pathogenic (Diekman 2016, Gobin-Limballe 2010, Tajima 2008). Computational analyses predict that this variant is deleterious (RE VEL: 0.926). However, given the lack of clinical and functional data, the significance of the p.Val174Ala variant is uncertain at this time. References: Diekman EF et al. Altered Energetics of Exercise Explain Risk of Rhabdomyolysis in Very Long-Chain Acyl-CoA Dehydrogenase Deficiency. PLoS One. 2016 Feb 16;11(2):e0147818. PMID: 26881790. Gobin-Limballe S et al. Compared effects of missense mutations in Very-Long-Chain Acyl-CoA Dehydrogenase deficiency: Combined analysis by structural, functional and pharmacological approaches. Biochim Biophys Acta. 2010 May;1802(5):478-84. PMID: 20060901. Merritt JL 2nd et al. Infants suspected to have very-long chain acyl-CoA dehydrogenase deficiency from newborn screening. Mol Genet Metab. 2014 Apr;111(4):484-92. PMID: 24503138. Tajima G et al. Development of a new enzymatic diagnosis method for very-long-chain Acyl-CoA dehydrogenase deficiency by detecting 2-hexadecenoyl-CoA production and its application in tandem mass spectrometry-based selective screening and newborn screening in Japan. Pediatr Res. 2008 Dec;64(6):667-72. PMID: 18670371.

Wong Mito Lab, Molecular and Human Genetics, Baylor College of Medicine
Classification: Likely pathogenic for Very long chain acyl-CoA dehydrogenase deficiency. Last evaluated: 2019-11-01. Review status: criteria provided, single submitter. Criteria: ACMG Guidelines, 2015. Collection method: clinical testing. Allele origin: germline. Not counted in ClinVar's aggregate classification.
Comment: The NM_000018.3:c.521T>C (NP_000009.1:p.Val174Ala) [GRCH38: NC_000017.11:g.7221581T>C] variant in ACADVL gene is interpretated to be Likely Pathogenic based on ACMG guidelines (PMID: 25741868). This variant has been reported. This variant meets the following evidence codes reported in the ACMG guidelines: PM1, PM5, PP3, PP4